The following is an entry in ClinVar:

ClinVar aggregate classification (germline): Likely benign (0 of 4 stars; one submission).

Conditions:
STK36-related disorder. Also called: STK36-related condition.

Allele frequency attached by ClinVar (database versions not stated): gnomAD 0.00001; TOPMed 0.00002; gnomAD exomes 0.00004; ExAC 0.00005; ESP Exome Variant Server 0.00008.
gnomAD v4.1: 56 of 1,608,920 alleles (0.0035%); highest among the groups gnomAD compares: South Asian, 0.0056%; 1 homozygote.

Submission:

PreventionGenetics, part of Exact Sciences
Classification: Likely benign for STK36-related condition. Last evaluated: 2019-09-18. Review status: no assertion criteria provided. Collection method: clinical testing. Allele origin: germline.
Comment: This variant is classified as likely benign based on ACMG/AMP sequence variant interpretation guidelines (Richards et al. 2015 PMID: 25741868, with internal and published modifications).

NM_015690.5(STK36):c.1563A>G (p.Gln521=)

Gene: STK36 (serine/threonine kinase 36; plus strand). Cytogenetic location: 2q35.
Variant type: single nucleotide variant.
Coding change: c.1563A>G on transcript NM_015690.5 (MANE Select); coding-DNA position 1563, A replaced by G.
Protein change: p.Gln521=; no amino-acid change (glutamine 521 retained).
Molecular consequence: synonymous variant.
Genome position (GRCh38, 1-based): chr2:218,689,861, A>G. VCF-style: chr2-218689861-A-G. GRCh37 (hg19) VCF-style: chr2-219554584-A-G.
Other names: c.1563A>G, p.Gln521= (NM_001243313.2, NM_001369423.1).
Identifiers: ClinVar variation 3040324 (VCV003040324.2), dbSNP rs151235623, ClinGen allele CA2110846.